The following is an entry in ClinVar:

NM_006017.3(PROM1):c.1697A>T (p.Asn566Ile)

Gene: PROM1 (prominin 1; minus strand). Cytogenetic location: 4p15.32.
Variant type: single nucleotide variant.
Coding change: c.1697A>T on transcript NM_006017.3 (MANE Select); coding-DNA position 1697, A replaced by T.
Protein change: p.Asn566Ile; replaces asparagine 566 with isoleucine.
Molecular consequence: missense variant.
Genome position (GRCh38, 1-based): chr4:15,994,057, T>A on the plus strand (A>T on the coding strand, the complement: PROM1 is on the minus strand). VCF-style: chr4-15994057-T-A. GRCh37 (hg19) VCF-style: chr4-15995680-T-A.
Other names: c.1670A>T, p.Asn557Ile (NM_001371407.1, NM_001371408.1, NM_001145847.2 and 4 more transcripts); c.1697A>T, p.Asn566Ile (NM_001145849.2, NM_001145850.2); c.1697A>T (NM_006017.2); short protein forms N557I, N566I.
Identifiers: ClinVar variation 1006107 (VCV001006107.13), dbSNP rs376676164, ClinGen allele CA2866673.

ClinVar aggregate classification (germline): Uncertain significance. Review status: criteria provided, multiple submitters, no conflicts (2 of 4 stars). 4 submissions from 4 submitters: Uncertain significance (4). Last evaluated 2025-08-07.

Conditions:
PROM1-related disorder. Also called: PROM1-related disorders; PROM1-related condition.
Inborn genetic diseases. Identifiers: MedGen C0950123, MeSH D030342.

Allele frequency attached by ClinVar (database versions not stated): ExAC 0.00001; gnomAD 0.00001; gnomAD exomes 0.00002; TOPMed 0.00004; ESP Exome Variant Server 0.00008.
gnomAD v4.1: 22 of 1,584,522 alleles (0.0014%); highest among the groups gnomAD compares: Non-Finnish European, 0.0016%; no homozygotes.

Submissions (4):

Labcorp Genetics (formerly Invitae), Labcorp
Classification: Uncertain significance. Last evaluated: 2025-08-07. Review status: criteria provided, single submitter. Criteria: Invitae Variant Classification Sherloc (09022015). Collection method: clinical testing. Allele origin: germline.
Comment: This sequence change replaces asparagine, which is neutral and polar, with isoleucine, which is neutral and non-polar, at codon 566 of the PROM1 protein (p.Asn566Ile). This variant is present in population databases (rs376676164, gnomAD 0.005%). This variant has not been reported in the literature in individuals affected with PROM1-related conditions. ClinVar contains an entry for this variant (Variation ID: 1006107). Invitae Evidence Modeling of protein sequence and biophysical properties (such as structural, functional, and spatial information, amino acid conservation, physicochemical variation, residue mobility, and thermodynamic stability) indicates that this missense variant is expected to disrupt PROM1 protein function with a positive predictive value of 80%. In summary, the available evidence is currently insufficient to determine the role of this variant in disease. Therefore, it has been classified as a Variant of Uncertain Significance.

PreventionGenetics, part of Exact Sciences
Classification: Uncertain significance for PROM1-related condition. Last evaluated: 2025-07-28. Review status: criteria provided, single submitter. Criteria: ACMG Guidelines, 2015. Collection method: clinical testing. Allele origin: germline.
Comment: The PROM1 c.1697A>T variant is predicted to result in the amino acid substitution p.Asn566Ile. To our knowledge, this variant has not been reported in the literature. This variant is reported in 0.0046% of alleles in individuals of European (Non-Finnish) descent in gnomAD. At this time, the clinical significance of this variant is uncertain due to the absence of conclusive functional and genetic evidence.

Ambry Genetics
Classification: Uncertain significance for Inborn genetic diseases. Last evaluated: 2024-02-05. Review status: criteria provided, single submitter. Criteria: Ambry Variant Classification Scheme 2023. Collection method: clinical testing. Allele origin: germline.

Blueprint Genetics
Classification: Uncertain significance. Last evaluated: 2023-03-20. Review status: criteria provided, single submitter. Criteria: ACMG Guidelines, 2015. Collection method: clinical testing. Allele origin: germline.